The following is an entry in ClinVar:

ClinVar aggregate classification (germline): Uncertain significance (1 of 4 stars; one submission).

Submission:

Labcorp Genetics (formerly Invitae), Labcorp
Classification: Uncertain significance. Last evaluated: 2024-04-29. Review status: criteria provided, single submitter. Criteria: Invitae Variant Classification Sherloc (09022015). Collection method: clinical testing. Allele origin: germline.
Comment: This sequence change affects codon 1429 of the ATR mRNA. It is a 'silent' change, meaning that it does not change the encoded amino acid sequence of the ATR protein. This variant is not present in population databases (gnomAD no frequency). This variant has not been reported in the literature in individuals affected with ATR-related conditions. ClinVar contains an entry for this variant (Variation ID: 2079454). Algorithms developed to predict the effect of sequence changes on RNA splicing suggest that this variant may disrupt the consensus splice site. In summary, the available evidence is currently insufficient to determine the role of this variant in disease. Therefore, it has been classified as a Variant of Uncertain Significance.

NM_001184.4(ATR):c.4287C>T (p.Asp1429=)

Gene: ATR (ATR checkpoint kinase; minus strand). Cytogenetic location: 3q23.
Variant type: single nucleotide variant.
Coding change: c.4287C>T on transcript NM_001184.4 (MANE Select); coding-DNA position 4287, C replaced by T.
Protein change: p.Asp1429=; no amino-acid change (aspartic acid 1429 retained).
Molecular consequence: synonymous variant.
Genome position (GRCh38, 1-based): chr3:142,519,764, G>A on the plus strand (C>T on the coding strand, the complement: ATR is on the minus strand). VCF-style: chr3-142519764-G-A. GRCh37 (hg19) VCF-style: chr3-142238606-G-A.
Other names: c.4095C>T, p.Asp1365= (NM_001354579.2).
Identifiers: ClinVar variation 2079454 (VCV002079454.3), dbSNP rs901522285, ClinGen allele CA84723591.